The following is an entry in ClinVar:

ClinVar aggregate classification (germline): Conflicting classifications of pathogenicity. Review status: criteria provided, conflicting classifications (1 of 4 stars). 2 submissions from 2 submitters: Uncertain significance (1); Likely benign (1). Last evaluated 2022-10-18.

Conditions:
Inborn genetic diseases. Identifiers: MedGen C0950123, MeSH D030342.

Allele frequency attached by ClinVar (database versions not stated): gnomAD exomes 0.00010; gnomAD 0.00013; ExAC 0.00014; TOPMed 0.00020; ESP Exome Variant Server 0.00046.
gnomAD v4.1: 173 of 1,614,120 alleles (0.011%); highest among the groups gnomAD compares: Middle Eastern, 0.016%; no homozygotes.

Submissions (2):

GeneDx
Classification: Uncertain significance. Last evaluated: 2022-10-18. Review status: criteria provided, single submitter. Criteria: GeneDx Variant Classification Process June 2021. Collection method: clinical testing. Allele origin: germline. Affected: yes.
Comment: In silico analysis supports that this missense variant does not alter protein structure/function; Has not been previously published as pathogenic or benign to our knowledge

Ambry Genetics
Classification: Likely benign for Inborn genetic diseases. Last evaluated: 2022-04-20. Review status: criteria provided, single submitter. Criteria: Ambry Variant Classification Scheme 2023. Collection method: clinical testing. Allele origin: germline.

NM_004667.6(HERC2):c.14395A>G (p.Ile4799Val)

Gene: HERC2 (HECT and RLD domain containing E3 ubiquitin protein ligase 2; minus strand). Cytogenetic location: 15q13.1.
Variant type: single nucleotide variant.
Coding change: c.14395A>G on transcript NM_004667.6 (MANE Select); coding-DNA position 14395, A replaced by G.
Protein change: p.Ile4799Val; replaces isoleucine 4799 with valine.
Molecular consequence: missense variant.
Genome position (GRCh38, 1-based): chr15:28,111,873, T>C on the plus strand (A>G on the coding strand, the complement: HERC2 is on the minus strand). VCF-style: chr15-28111873-T-C. GRCh37 (hg19) VCF-style: chr15-28357019-T-C.
Other names: c.14395A>G (NM_004667.5); short protein forms I4799V.
Identifiers: ClinVar variation 2322656 (VCV002322656.3), dbSNP rs144218321, ClinGen allele CA7439667.